The following is an entry in ClinVar:

NM_001972.4(ELANE):c.570G>A (p.Val190=)

Gene: ELANE (elastase, neutrophil expressed; plus strand). Cytogenetic location: 19p13.3.
Variant type: single nucleotide variant.
Coding change: c.570G>A on transcript NM_001972.4 (MANE Select); coding-DNA position 570, G replaced by A.
Protein change: p.Val190=; no amino-acid change (valine 190 retained).
Molecular consequence: synonymous variant.
Genome position (GRCh38, 1-based): chr19:855,767, G>A. VCF-style: chr19-855767-G-A. GRCh37 (hg19) VCF-style: chr19-855767-G-A.
Identifiers: ClinVar variation 2925634 (VCV002925634.16), dbSNP rs2512168653, ClinGen allele CA504882020.

ClinVar aggregate classification (germline): Likely pathogenic. Review status: criteria provided, multiple submitters, no conflicts (2 of 4 stars). 2 submissions from 2 submitters: Likely pathogenic (2). Last evaluated 2025-03-01.

Conditions:
Neutropenia, severe congenital, 1, autosomal dominant. Identifiers: MedGen C1859966, MONDO:0042490, OMIM 202700.
Cyclical neutropenia. Also called: Cyclic hematopoiesis; Cyclic Neutropenia. Identifiers: Orphanet 2686, MedGen C0221023, MONDO:0008090, OMIM 162800, HP:0040289. Disease mechanism: loss of function.

Submissions (2):

CeGaT Center for Human Genetics Tuebingen
Classification: Likely pathogenic. Last evaluated: 2025-03-01. Review status: criteria provided, single submitter. Criteria: CeGaT Center For Human Genetics Tuebingen Variant Classification Criteria Version 2. Collection method: clinical testing. Allele origin: germline. Affected: yes. Observed: 2 variant alleles.
Comment: ELANE: PM2, PM4, PS3:Supporting, PS4:Supporting

Labcorp Genetics (formerly Invitae), Labcorp
Classification: Likely pathogenic for Neutropenia, severe congenital, 1, autosomal dominant; Cyclical neutropenia. Last evaluated: 2023-03-14. Review status: criteria provided, single submitter. Criteria: Invitae Variant Classification Sherloc (09022015). Collection method: clinical testing. Allele origin: germline.
Comment: This sequence change affects codon 190 of the ELANE mRNA. It is a 'silent' change, meaning that it does not change the encoded amino acid sequence of the ELANE protein. RNA analysis indicates that this variant induces altered splicing and likely results in the loss of 10 amino acid residue(s), but is expected to preserve the integrity of the reading-frame. In summary, the currently available evidence indicates that the variant is pathogenic, but additional data are needed to prove that conclusively. Therefore, this variant has been classified as Likely Pathogenic. This variant is not present in population databases (gnomAD no frequency). This variant has been observed in individual(s) with clinical features of ELANE-related neutropenia (PMID: 23463630; Invitae). In at least one individual the variant was observed to be de novo. Studies have shown that this variant results in the activation of a cryptic splice site in exon 4 (PMID: 23463630).

Literature cited by the submitters: PubMed 23463630 (cited by Labcorp Genetics (formerly Invitae), Labcorp).